The following is an entry in ClinVar:

ClinVar aggregate classification (germline): Benign. Review status: criteria provided, multiple submitters, no conflicts (2 of 4 stars). 3 submissions from 3 submitters: Benign (3). Last evaluated 2018-10-16.

Conditions:
EEM syndrome (EEMS). Identifiers: Orphanet 1897, MedGen C1857041, MONDO:0009155, OMIM 225280.

Allele frequency attached by ClinVar (database versions not stated): 1000 Genomes Project 30x 0.81027; 1000 Genomes Project 0.81090; TOPMed 0.84842; gnomAD 0.85063 and 0.85426.
gnomAD v4.1: 562,849 of 657,706 alleles (86%); highest among the groups gnomAD compares: Non-Finnish European, 89%; 241,922 homozygotes.

Submissions (3):

GeneDx
Classification: Benign. Last evaluated: 2018-10-16. Review status: criteria provided, single submitter. Criteria: GeneDx Variant Classification Process June 2021. Collection method: clinical testing. Allele origin: germline. Affected: yes.

Illumina Laboratory Services, Illumina
Classification: Benign for EEM syndrome. Last evaluated: 2018-01-13. Review status: criteria provided, single submitter. Criteria: ICSL Variant Classification Criteria 13 December 2019. Collection method: clinical testing. Allele origin: germline.
Comment: This variant was observed in the ICSL laboratory as part of a predisposition screen in an ostensibly healthy population. It had not been previously curated by ICSL or reported in the Human Gene Mutation Database (HGMD: prior to June 1st, 2018), and was therefore a candidate for classification through an automated scoring system. Utilizing variant allele frequency, disease prevalence and penetrance estimates, and inheritance mode, an automated score was calculated to assess if this variant is too frequent to cause the disease. Based on the score and internal cut-off values, a variant classified as benign is not then subjected to further curation. The score for this variant resulted in a classification of benign for this disease.

Breakthrough Genomics
Classification: Benign. Review status: criteria provided, single submitter. Criteria: ACMG Guidelines, 2015. Collection method: not provided. Allele origin: germline. Inheritance: Autosomal recessive inheritance. Affected: yes.

NM_001793.6(CDH3):c.*154G>T

Gene: CDH3 (cadherin 3; plus strand). Cytogenetic location: 16q22.1.
Variant type: single nucleotide variant.
Coding change: c.*154G>T on transcript NM_001793.6 (MANE Select); 154 bases downstream of the stop codon, G replaced by T.
Molecular consequence: 3 prime UTR variant.
Genome position (GRCh38, 1-based): chr16:68,698,554, G>T. VCF-style: chr16-68698554-G-T. GRCh37 (hg19) VCF-style: chr16-68732457-G-T.
Other names: c.*387G>T (NM_001317195.3); c.*154G>T (NM_001317196.2).
Identifiers: ClinVar variation 320258 (VCV000320258.7), dbSNP rs1886699, ClinGen allele CA10647969.